The following is an entry in ClinVar:

NM_001453.3(FOXC1):c.372C>G (p.Asn124Lys)

Gene: FOXC1 (forkhead box C1; plus strand). Cytogenetic location: 6p25.3.
Variant type: single nucleotide variant.
Coding change: c.372C>G on transcript NM_001453.3 (MANE Select); coding-DNA position 372, C replaced by G.
Protein change: p.Asn124Lys; replaces asparagine 124 with lysine.
Molecular consequence: missense variant.
Genome position (GRCh38, 1-based): chr6:1,610,817, C>G. VCF-style: chr6-1610817-C-G. GRCh37 (hg19) VCF-style: chr6-1611052-C-G.
Other names: short protein forms N124K.
Identifiers: ClinVar variation 1189173 (VCV001189173.7), dbSNP rs1762523183, ClinGen allele CA362558674.

ClinVar aggregate classification (germline): Conflicting classifications of pathogenicity. Review status: criteria provided, conflicting classifications (1 of 4 stars). 2 submissions from 2 submitters: Likely pathogenic (1); Uncertain significance (1). Last evaluated 2022-01-16.

Conditions:
Axenfeld-Rieger syndrome type 3 (RIEG3). Also called: AXENFELD-RIEGER ANOMALY WITH CARDIAC DEFECTS AND/OR SENSORINEURAL HEARING LOSS. Identifiers: Orphanet 782, MedGen C2678503, MONDO:0011233, OMIM 602482.

Submissions (2):

Labcorp Genetics (formerly Invitae), Labcorp
Classification: Uncertain significance for Axenfeld-Rieger syndrome type 3. Last evaluated: 2022-01-16. Review status: criteria provided, single submitter. Criteria: Invitae Variant Classification Sherloc (09022015). Collection method: clinical testing. Allele origin: germline.
Comment: This sequence change replaces asparagine, which is neutral and polar, with lysine, which is basic and polar, at codon 124 of the FOXC1 protein (p.Asn124Lys). This variant is not present in population databases (gnomAD no frequency). In summary, the available evidence is currently insufficient to determine the role of this variant in disease. Therefore, it has been classified as a Variant of Uncertain Significance. Algorithms developed to predict the effect of missense changes on protein structure and function (SIFT, PolyPhen-2, Align-GVGD) all suggest that this variant is likely to be disruptive. ClinVar contains an entry for this variant (Variation ID: 1189173). This variant has not been reported in the literature in individuals affected with FOXC1-related conditions.

GeneDx
Classification: Likely pathogenic. Last evaluated: 2020-07-29. Review status: criteria provided, single submitter. Criteria: GeneDx Variant Classification Process June 2021. Collection method: clinical testing. Allele origin: germline. Affected: yes.
Comment: Not observed in large population cohorts (Lek et al., 2016); In silico analysis supports that this missense variant has a deleterious effect on protein structure/function; Has not been previously published as pathogenic or benign to our knowledge